The following is an entry in ClinVar:

NM_002855.5(NECTIN1):c.*2884G>A

Gene: NECTIN1 (nectin cell adhesion molecule 1; minus strand). Cytogenetic location: 11q23.3.
Variant type: single nucleotide variant.
Coding change: c.*2884G>A on transcript NM_002855.5 (MANE Select); 2884 bases downstream of the stop codon, G replaced by A.
Molecular consequence: 3 prime UTR variant. On other transcripts: intron variant (1).
Genome position (GRCh38, 1-based): chr11:119,661,863, C>T on the plus strand (G>A on the coding strand, the complement: NECTIN1 is on the minus strand). VCF-style: chr11-119661863-C-T. GRCh37 (hg19) VCF-style: chr11-119532573-C-T.
Other names: c.1003+13296G>A (NM_203285.2).
Identifiers: ClinVar variation 880102 (VCV000880102.5), dbSNP rs115594822, ClinGen allele CA229719343.
Genomic context (GRCh38, chr11:119,661,863, plus strand): 5'-GTGCTGAGTGGCCATCTGGCTGTGCATGCATGCGTGTGTACATGCGTGTACACATGCCTG[C>T]GCGTGGGTGTGTTGGAGGTGTGAGTGTGTCCACTGTGGGCACACGTACTGGGTCTGAGGT-3'

ClinVar aggregate classification (germline): Likely benign (1 of 4 stars; one submission).

Conditions:
Cleft lip/palate-ectodermal dysplasia syndrome (CLPED1). Also called: ECTODERMAL DYSPLASIA, CLEFT LIP AND PALATE, MENTAL RETARDATION, AND SYNDACTYLY; ECTODERMAL DYSPLASIA, MARGARITA ISLAND TYPE; ECTODERMAL DYSPLASIA, TYPE 4; Zlotogora syndrome; ZLOTOGORA-OGUR SYNDROME. Identifiers: Orphanet 3253, MedGen C2931488, MONDO:0009151, OMIM 225060.

Allele frequency attached by ClinVar (database versions not stated): gnomAD exomes 0.00130; TOPMed 0.01671; 1000 Genomes Project 0.02236; 1000 Genomes Project 30x 0.02452.
gnomAD v4.1: 3,552 of 985,196 alleles (0.36%); highest among the groups gnomAD compares: African/African-American, 5.7%; 93 homozygotes.

Submission:

Illumina Laboratory Services, Illumina
Classification: Likely benign for Cleft lip/palate-ectodermal dysplasia syndrome. Last evaluated: 2018-01-13. Review status: criteria provided, single submitter. Criteria: ICSL Variant Classification Criteria 13 December 2019. Collection method: clinical testing. Allele origin: germline.
Comment: This variant was observed in the ICSL laboratory as part of a predisposition screen in an ostensibly healthy population. It had not been previously curated by ICSL or reported in the Human Gene Mutation Database (HGMD: prior to June 1st, 2018), and was therefore a candidate for classification through an automated scoring system. Utilizing variant allele frequency, disease prevalence and penetrance estimates, and inheritance mode, an automated score was calculated to assess if this variant is too frequent to cause the disease. Based on the score and internal cut-off values, a variant classified as likely benign is not then subjected to further curation. The score for this variant resulted in a classification of likely benign for this disease.